The following is an entry in ClinVar:

NM_001378778.1(MPDZ):c.6158C>T (p.Ala2053Val)

Gene: MPDZ (multiple PDZ domain crumbs cell polarity complex component; minus strand). Cytogenetic location: 9p23.
Variant type: single nucleotide variant.
Coding change: c.6158C>T on transcript NM_001378778.1 (MANE Select); coding-DNA position 6158, C replaced by T.
Protein change: p.Ala2053Val; replaces alanine 2053 with valine.
Molecular consequence: missense variant.
Genome position (GRCh38, 1-based): chr9:13,107,020, G>A on the plus strand (C>T on the coding strand, the complement: MPDZ is on the minus strand). VCF-style: chr9-13107020-G-A. GRCh37 (hg19) VCF-style: chr9-13107019-G-A.
Other names: c.6059C>T, p.Ala2020Val (NM_001261406.2, NM_001375416.1, NM_001375417.1 and 1 more transcripts); c.5972C>T, p.Ala1991Val (NM_001261407.2, NM_001375419.1); c.6158C>T, p.Ala2053Val (NM_001330637.2); c.6257C>T, p.Ala2086Val (NM_001375413.1); c.5948C>T, p.Ala1983Val (NM_001375420.1, NM_001375421.1, NM_001375422.1 and 2 more transcripts); c.5861C>T, p.Ala1954Val (NM_001375425.1, NM_001375426.1); c.5750C>T, p.Ala1917Val (NM_001375427.1); c.6071C>T, p.Ala2024Val (NM_003829.5); short protein forms A2024V, A2053V, A1954V, A1991V, A1983V, A2020V, A2086V, A1917V.
Identifiers: ClinVar variation 1972954 (VCV001972954.2), dbSNP rs200404626, ClinGen allele CA4985936.
Genomic context (GRCh38, chr9:13,107,020, plus strand): 5'-CCAATTCAAGAGAGAACCATCAAAGTGACAGTGCCTTTTGTCCGTTTAAGGATGGCAACA[G>A]CTTCTTCATGGGTGACTCCTTCTAGACTCTGCCCATTGACAGCAATGATCTGATCGCCCC-3'
Protein context (NP_001365707.1, residues 2043-2063): QSLEGVTHEE[Ala2053Val]VAILKRTKGT

ClinVar aggregate classification (germline): Uncertain significance (1 of 4 stars; one submission).

Allele frequency attached by ClinVar (database versions not stated): TOPMed below 0.00001; ExAC 0.00001.
gnomAD v4.1: 2 of 1,613,454 alleles (0.00012%); no homozygotes.

Submission:

Labcorp Genetics (formerly Invitae), Labcorp
Classification: Uncertain significance. Last evaluated: 2022-04-09. Review status: criteria provided, single submitter. Criteria: Invitae Variant Classification Sherloc (09022015). Collection method: clinical testing. Allele origin: germline.
Comment: This sequence change replaces alanine, which is neutral and non-polar, with valine, which is neutral and non-polar, at codon 2024 of the MPDZ protein (p.Ala2024Val). This variant is not present in population databases (gnomAD no frequency). This variant has not been reported in the literature in individuals affected with MPDZ-related conditions. Algorithms developed to predict the effect of missense changes on protein structure and function are either unavailable or do not agree on the potential impact of this missense change (SIFT: "Deleterious"; PolyPhen-2: "Probably Damaging"; Align-GVGD: "Class C0"). In summary, the available evidence is currently insufficient to determine the role of this variant in disease. Therefore, it has been classified as a Variant of Uncertain Significance.